The following is an entry in ClinVar:

NM_001077653.2(TBX20):c.697dup (p.Ile233fs)

Gene: TBX20 (T-box transcription factor 20; minus strand). Cytogenetic location: 7p14.2.
Variant type: Duplication.
Coding change: c.697dup on transcript NM_001077653.2 (MANE Select); coding-DNA position 697, one base duplicated (A; older notation c.697dupA).
Protein change: p.Ile233fs; shifts the reading frame from isoleucine 233.
Molecular consequence: frameshift variant.
Genome position (GRCh38, 1-based): chr7:35,240,995, T duplicated on the plus strand (A on the coding strand, the reverse complement: TBX20 is on the minus strand). VCF-style (leftmost placement, unchanged base first): chr7-35240994-A-AT. GRCh37 (hg19) VCF-style: chr7-35280606-A-AT.
Other names: c.697dupA (NM_001077653.2); c.697dup, p.Ile233fs (NM_001166220.1); short protein forms I233fs.
Identifiers: ClinVar variation 1486963 (VCV001486963.9), dbSNP rs2128714664, ClinGen allele CA2573142079.

ClinVar aggregate classification (germline): Pathogenic. Review status: criteria provided, multiple submitters, no conflicts (2 of 4 stars). 2 submissions from 2 submitters: Pathogenic (2). Last evaluated 2025-04-16.

Conditions:
Cardiovascular phenotype. Identifiers: MedGen CN230736.

Submissions (2):

Ambry Genetics
Classification: Pathogenic for Cardiovascular phenotype. Last evaluated: 2025-04-16. Review status: criteria provided, single submitter. Criteria: Ambry Variant Classification Scheme 2023. Collection method: clinical testing. Allele origin: germline.
Comment: The c.697dupA pathogenic mutation, located in coding exon 5 of the TBX20 gene, results from a duplication of A at nucleotide position 697, causing a translational frameshift with a predicted alternate stop codon (p.I233Nfs*3). This variant was reported in individual(s) with features consistent with noncompaction cardiomyopathy (Ambry internal data). This variant is considered to be rare based on population cohorts in the Genome Aggregation Database (gnomAD). This alteration is expected to result in loss of function by premature protein truncation or nonsense-mediated mRNA decay. As such, this alteration is interpreted as a disease-causing mutation.

Labcorp Genetics (formerly Invitae), Labcorp
Classification: Pathogenic. Last evaluated: 2024-06-10. Review status: criteria provided, single submitter. Criteria: Invitae Variant Classification Sherloc (09022015). Collection method: clinical testing. Allele origin: germline.
Comment: This sequence change creates a premature translational stop signal (p.Ile233Asnfs*3) in the TBX20 gene. It is expected to result in an absent or disrupted protein product. Loss-of-function variants in TBX20 are known to be pathogenic (PMID: 15901664, 25625280, 26118961, 27510170). This variant is not present in population databases (gnomAD no frequency). This variant has not been reported in the literature in individuals affected with TBX20-related conditions. ClinVar contains an entry for this variant (Variation ID: 1486963). For these reasons, this variant has been classified as Pathogenic.

Literature cited by the submitters: PubMed 15901664 (cited by Labcorp Genetics (formerly Invitae), Labcorp); PubMed 25625280 (cited by Labcorp Genetics (formerly Invitae), Labcorp); PubMed 26118961 (cited by Labcorp Genetics (formerly Invitae), Labcorp); PubMed 27510170 (cited by Labcorp Genetics (formerly Invitae), Labcorp).